The following is an entry in ClinVar:

ClinVar aggregate classification (germline): Pathogenic (1 of 4 stars; one submission).

Conditions:
Meckel-Gruber syndrome. Also called: DYSENCEPHALIA SPLANCHNOCYSTICA; GRUBER SYNDROME; Dysencephalia splachnocystica. Identifiers: Orphanet 564, MedGen C0265215, MONDO:0018921.
Joubert syndrome. Also called: CEREBELLOPARENCHYMAL DISORDER IV; JOUBERT-BOLTSHAUSER SYNDROME; Familial aplasia of the vermis. Identifiers: Orphanet 475, MedGen C5979921, MONDO:0018772.

Submission:

Labcorp Genetics (formerly Invitae), Labcorp
Classification: Pathogenic for Joubert syndrome; Meckel-Gruber syndrome. Last evaluated: 2024-02-23. Review status: criteria provided, single submitter. Criteria: Invitae Variant Classification Sherloc (09022015). Collection method: clinical testing. Allele origin: germline.
Comment: This sequence change creates a premature translational stop signal (p.Lys90Ilefs*2) in the RPGRIP1L gene. It is expected to result in an absent or disrupted protein product. Loss-of-function variants in RPGRIP1L are known to be pathogenic (PMID: 17558409). This variant is not present in population databases (gnomAD no frequency). This variant has not been reported in the literature in individuals affected with RPGRIP1L-related conditions. ClinVar contains an entry for this variant (Variation ID: 1455632). For these reasons, this variant has been classified as Pathogenic.

Literature cited by the submitters: PubMed 17558409.

NM_015272.5(RPGRIP1L):c.269_273del (p.Lys90fs)

Gene: RPGRIP1L (RPGRIP1 like; minus strand). Cytogenetic location: 16q12.2.
Variant type: Deletion.
Coding change: c.269_273del on transcript NM_015272.5 (MANE Select); coding-DNA positions 269 to 273, 5 bases deleted (AAAGA; older notation c.269_273delAAAGA).
Protein change: p.Lys90fs; shifts the reading frame from lysine 90.
Molecular consequence: frameshift variant.
Genome position (GRCh38, 1-based): chr16:53,692,322-53,692,326, TCTTT deleted on the plus strand (AAAGA on the coding strand, the reverse complement: RPGRIP1L is on the minus strand); deleting any 5 consecutive bases within chr16:53,692,322-53,692,330 gives the same sequence; the c. name uses the placement nearest the transcript's 3' end. VCF-style (leftmost placement, unchanged base first): chr16-53692321-ATCTTT-A. GRCh37 (hg19) VCF-style: chr16-53726233-ATCTTT-A.
Other names: c.269_273del, p.Lys90fs (NM_001127897.4, NM_001308334.3, NM_001330538.2); short protein forms K90fs.
Identifiers: ClinVar variation 1455632 (VCV001455632.6), dbSNP rs2151353922, ClinGen allele CA2573152341.